The following is an entry in ClinVar:

NM_201384.3(PLEC):c.7951C>T (p.Arg2651Trp)

Gene: PLEC (plectin; minus strand). Cytogenetic location: 8q24.3.
Variant type: single nucleotide variant.
Coding change: c.7951C>T on transcript NM_201384.3 (MANE Select); coding-DNA position 7951, C replaced by T.
Protein change: p.Arg2651Trp; replaces arginine 2651 with tryptophan.
Molecular consequence: missense variant.
Genome position (GRCh38, 1-based): chr8:143,921,870, G>A on the plus strand (C>T on the coding strand, the complement: PLEC is on the minus strand). VCF-style: chr8-143921870-G-A. GRCh37 (hg19) VCF-style: chr8-144996038-G-A.
Other names: p.Arg2678Trp; c.8032C>T, p.Arg2678Trp (NM_000445.5); c.7909C>T, p.Arg2637Trp (NM_201378.4); c.7885C>T, p.Arg2629Trp (NM_201379.3); c.8362C>T, p.Arg2788Trp (NM_201380.4); c.7855C>T, p.Arg2619Trp (NM_201381.3); c.7951C>T, p.Arg2651Trp (NM_201382.4); c.7963C>T, p.Arg2655Trp (NM_201383.3); short protein forms R2619W, R2629W, R2637W, R2678W, R2788W, R2651W, R2655W.
Identifiers: ClinVar variation 287621 (VCV000287621.50), dbSNP rs145977158, ClinGen allele CA4925471.

ClinVar aggregate classification (germline): Benign/Likely benign. Review status: criteria provided, multiple submitters, no conflicts (2 of 4 stars). 10 submissions from 10 submitters: Benign (3); Likely benign (5). 2 of the submissions do not count toward it. Last evaluated 2026-09-01.

Conditions:
Autosomal recessive limb-girdle muscular dystrophy type 2Q (LGMDR17). Also called: MUSCULAR DYSTROPHY, LIMB-GIRDLE, AUTOSOMAL RECESSIVE 17. Identifiers: Orphanet 254361, MedGen C3150989, MONDO:0013390, OMIM 613723.
Epidermolysis bullosa simplex, Ogna type (EBS5A). Also called: Pidermolysis bullosa simplex 5A, Ogna type; EPIDERMOLYSIS BULLOSA SIMPLEX 5A, OGNA TYPE. Identifiers: Orphanet 79401, MedGen C0432317, MONDO:0007555, OMIM 131950.
Epidermolysis bullosa simplex 5B, with muscular dystrophy (EBS5B). Also called: Epidermolysis bullosa simplex with muscular dystrophy; EPIDERMOLYSIS BULLOSA SIMPLEX AND LIMB-GIRDLE MUSCULAR DYSTROPHY. Identifiers: Orphanet 257, MedGen C2931072, MONDO:0009181, OMIM 226670.
Epidermolysis bullosa simplex with nail dystrophy (EBS5D). Identifiers: MedGen C4225309, MONDO:0014661, OMIM 616487.
Epidermolysis bullosa simplex 5C, with pyloric atresia (EBS5C). Also called: PLEC1-Related Epidermolysis Bullosa with Pyloric Atresia; PLEC-Related Epidermolysis Bullosa with Pyloric Atresia; Epidermolysis bullosa simplex with pyloric atresia. Identifiers: Orphanet 158684, MedGen C2677349, MONDO:0012807, OMIM 612138.
Multiple sclerosis. Identifiers: MedGen C0026769, MONDO:0005301.
PLEC-related disorder. Also called: PLEC-related condition; PLEC-related disorders.

Allele frequency attached by ClinVar (database versions not stated): ESP Exome Variant Server 0.00016; gnomAD 0.00062 and 0.00084; gnomAD exomes 0.00069 and 0.00136; TOPMed 0.00074; 1000 Genomes Project 30x 0.00094; 1000 Genomes Project 0.00100; ExAC 0.00126.
gnomAD v4.1: 1,153 of 1,602,260 alleles (0.072%); highest among the groups gnomAD compares: South Asian, 0.76%; 16 homozygotes.

Submissions (10):

CeGaT Center for Human Genetics Tuebingen
Classification: Likely benign. Last evaluated: 2026-09-01. Review status: criteria provided, single submitter. Criteria: CeGaT Center For Human Genetics Tuebingen Variant Classification Criteria Version 2. Collection method: clinical testing. Allele origin: germline. Affected: yes. Observed: 9 variant alleles.
Comment: PLEC: BP4, BS2

Labcorp Genetics (formerly Invitae), Labcorp
Classification: Benign for Autosomal recessive limb-girdle muscular dystrophy type 2Q; Epidermolysis bullosa simplex, Ogna type; Epidermolysis bullosa simplex with nail dystrophy; Epidermolysis bullosa simplex 5C, with pyloric atresia; Epidermolysis bullosa simplex 5B, with muscular dystrophy. Last evaluated: 2026-01-23. Review status: criteria provided, single submitter. Criteria: Invitae Variant Classification Sherloc (09022015). Collection method: clinical testing. Allele origin: germline.

Genomic Medicine Center of Excellence, King Faisal Specialist Hospital and Research Centre
Classification: Likely benign. Last evaluated: 2025-08-18. Review status: criteria provided, single submitter. Criteria: ACMG Guidelines, 2015. Collection method: clinical testing. Allele origin: germline.

Mayo Clinic Laboratories, Mayo Clinic
Classification: Benign. Last evaluated: 2025-06-24. Review status: criteria provided, single submitter. Criteria: ACMG Guidelines, 2015. Collection method: clinical testing. Allele origin: germline. Observed: 1 variant allele.
Comment: BA1

Blueprint Genetics
Classification: Likely benign. Last evaluated: 2024-10-16. Review status: criteria provided, single submitter. Criteria: ACMG Guidelines, 2015. Collection method: clinical testing. Allele origin: germline.

Athena Diagnostics
Classification: Benign. Last evaluated: 2020-04-20. Review status: criteria provided, single submitter. Criteria: Athena Diagnostics Criteria. Collection method: clinical testing. Allele origin: unknown.

GeneDx
Classification: Likely benign. Last evaluated: 2020-03-27. Review status: criteria provided, single submitter. Criteria: GeneDx Variant Classification Process June 2021. Collection method: clinical testing. Allele origin: germline. Affected: yes.

Eurofins Ntd Llc (ga)
Classification: Likely benign. Last evaluated: 2016-06-15. Review status: criteria provided, single submitter. Criteria: EGL Classification Definitions 2015. Collection method: clinical testing. Allele origin: germline. Observed: 4 variant alleles, 4 heterozygotes.

Department of Molecular Biology and Genetics, Acibadem University
Classification: Likely pathogenic for Multiple sclerosis. Last evaluated: 2024-06-10. Review status: no assertion criteria provided. Collection method: research. Allele origin: germline. Affected: yes. Not counted in ClinVar's aggregate classification.

PreventionGenetics, part of Exact Sciences
Classification: Likely benign for PLEC-related condition. Last evaluated: 2019-12-10. Review status: no assertion criteria provided. Collection method: clinical testing. Allele origin: germline. Not counted in ClinVar's aggregate classification.
Comment: This variant is classified as likely benign based on ACMG/AMP sequence variant interpretation guidelines (Richards et al. 2015 PMID: 25741868, with internal and published modifications).